The following is an entry in ClinVar:

NM_144997.7(FLCN):c.1270G>C (p.Val424Leu)

Gene: FLCN (folliculin; minus strand). Cytogenetic location: 17p11.2.
Variant type: single nucleotide variant.
Coding change: c.1270G>C on transcript NM_144997.7 (MANE Select); coding-DNA position 1270, G replaced by C.
Protein change: p.Val424Leu; replaces valine 424 with leucine.
Molecular consequence: missense variant.
Genome position (GRCh38, 1-based): chr17:17,216,410, C>G on the plus strand (G>C on the coding strand, the complement: FLCN is on the minus strand). VCF-style: chr17-17216410-C-G. GRCh37 (hg19) VCF-style: chr17-17119724-C-G.
Other names: c.1324G>C, p.Val442Leu (NM_001353229.2); c.1270G>C, p.Val424Leu (NM_001353230.2, NM_001353231.2); short protein forms V424L, V442L.
Identifiers: ClinVar variation 1765443 (VCV001765443.2), dbSNP rs1264775833, ClinGen allele CA398531672.

ClinVar aggregate classification (germline): Uncertain significance (1 of 4 stars; one submission).

Conditions:
Hereditary cancer-predisposing syndrome. Also called: Neoplastic Syndromes, Hereditary; Tumor predisposition; Hereditary Cancer Syndrome; Hereditary neoplastic syndrome. Identifiers: Orphanet 140162, MedGen C0027672, MeSH D009386, MONDO:0015356.

Submission:

Ambry Genetics
Classification: Uncertain significance for Hereditary cancer-predisposing syndrome. Last evaluated: 2021-02-12. Review status: criteria provided, single submitter. Criteria: Ambry Variant Classification Scheme 2023. Collection method: clinical testing. Allele origin: germline.
Comment: The p.V424L variant (also known as c.1270G>C), located in coding exon 8 of the FLCN gene, results from a G to C substitution at nucleotide position 1270. The valine at codon 424 is replaced by leucine, an amino acid with highly similar properties. This amino acid position is highly conserved in available vertebrate species. In addition, this alteration is predicted to be deleterious by in silico analysis. Since supporting evidence is limited at this time, the clinical significance of this alteration remains unclear.